The following is an entry in ClinVar:

NM_001375380.1(EBF3):c.647C>T (p.Ser216Leu)

Gene: EBF3 (EBF transcription factor 3; minus strand). Cytogenetic location: 10q26.3.
Variant type: single nucleotide variant.
Coding change: c.647C>T on transcript NM_001375380.1 (MANE Select); coding-DNA position 647, C replaced by T.
Protein change: p.Ser216Leu; replaces serine 216 with leucine.
Molecular consequence: missense variant.
Genome position (GRCh38, 1-based): chr10:129,873,586, G>A on the plus strand (C>T on the coding strand, the complement: EBF3 is on the minus strand). VCF-style: chr10-129873586-G-A. GRCh37 (hg19) VCF-style: chr10-131671850-G-A.
Other names: c.647C>T, p.Ser216Leu (NM_001005463.3, NM_001375379.1, NM_001375389.1 and 3 more transcripts); short protein forms S216L.
Identifiers: ClinVar variation 2249826 (VCV002249826.2), dbSNP rs1181265453, ClinGen allele CA378910131.

ClinVar aggregate classification (germline): Uncertain significance (1 of 4 stars; one submission).

Conditions:
Inborn genetic diseases. Identifiers: MedGen C0950123, MeSH D030342.

Allele frequency attached by ClinVar (database versions not stated): gnomAD exomes 0.00001.
gnomAD v4.1: 12 of 1,541,522 alleles (0.00078%); highest among the groups gnomAD compares: Non-Finnish European, 0.0011%; no homozygotes.

Submission:

Ambry Genetics
Classification: Uncertain significance for Inborn genetic diseases. Last evaluated: 2021-10-08. Review status: criteria provided, single submitter. Criteria: Ambry Variant Classification Scheme 2023. Collection method: clinical testing. Allele origin: germline.
Comment: The c.647C>T (p.S216L) alteration is located in exon 8 (coding exon 8) of the EBF3 gene. This alteration results from a C to T substitution at nucleotide position 647, causing the serine (S) at amino acid position 216 to be replaced by a leucine (L). This allele was reported in one heterozygous individual in population-based cohorts in the Genome Aggregation Database (gnomAD). However, the EBF3 c.647C>T alteration was flagged as a low confidence call in gnomAD. This amino acid position is highly conserved in available vertebrate species. The in silico prediction for this alteration is inconclusive. Based on insufficient or conflicting evidence, the clinical significance of this alteration remains unclear.